The following is an entry in ClinVar:

ClinVar aggregate classification (germline): Benign/Likely benign. Review status: criteria provided, multiple submitters, no conflicts (2 of 4 stars). 5 submissions from 5 submitters: Benign (3); Likely benign (2). Last evaluated 2026-01-28.

Conditions:
Developmental and epileptic encephalopathy, 69. Also called: EPILEPTIC ENCEPHALOPATHY, EARLY INFANTILE, 69. Identifiers: MedGen C4748988, MONDO:0032657, OMIM 618285.

Allele frequency attached by ClinVar (database versions not stated): gnomAD 0.00111 and 0.00118; ESP Exome Variant Server 0.00121; TOPMed 0.00135; 1000 Genomes Project 0.00200; 1000 Genomes Project 30x 0.00234.
gnomAD v4.1: 350 of 1,613,642 alleles (0.022%); highest among the groups gnomAD compares: African/African-American, 0.36%; 1 homozygote.

Submissions (6):

Labcorp Genetics (formerly Invitae), Labcorp
Classification: Benign. Last evaluated: 2026-01-28. Review status: criteria provided, single submitter. Criteria: Invitae Variant Classification Sherloc (09022015). Collection method: clinical testing. Allele origin: germline.

CeGaT Center for Human Genetics Tuebingen
Classification: Likely benign. Last evaluated: 2025-07-01. Review status: criteria provided, single submitter. Criteria: CeGaT Center For Human Genetics Tuebingen Variant Classification Criteria Version 2. Collection method: clinical testing. Allele origin: germline. Affected: yes. Observed: 2 variant alleles.
Comment: CACNA1E: BP4, BP7

Blueprint Genetics
Classification: Likely benign. Last evaluated: 2024-07-04. Review status: criteria provided, single submitter. Criteria: ACMG Guidelines, 2015. Collection method: clinical testing. Allele origin: germline.

Genome-Nilou Lab
Classification: Benign for Developmental and epileptic encephalopathy, 69. Last evaluated: 2023-04-11. Review status: criteria provided, single submitter. Criteria: ACMG Guidelines, 2015. Collection method: clinical testing. Allele origin: germline. Affected: no.

GeneDx
Classification: Benign. Last evaluated: 2021-03-29. Review status: criteria provided, single submitter. Criteria: GeneDx Variant Classification Process June 2021. Collection method: clinical testing. Allele origin: germline. Affected: yes.

Dr. Peter K. Rogan Lab, Western University
No classification provided (evidence only). Condition: Malignant tumor of urinary bladder. Review status: no classification provided. Collection method: in vitro. Allele origin: not applicable. Functional consequence: retained intron. Not counted in ClinVar's aggregate classification.

NM_001205293.3(CACNA1E):c.6537G>A (p.Ala2179=)

Gene: CACNA1E (calcium voltage-gated channel subunit alpha1 E; plus strand). Cytogenetic location: 1q25.3.
Variant type: single nucleotide variant.
Coding change: c.6537G>A on transcript NM_001205293.3 (MANE Select); coding-DNA position 6537, G replaced by A.
Protein change: p.Ala2179=; no amino-acid change (alanine 2179 retained).
Molecular consequence: synonymous variant.
Genome position (GRCh38, 1-based): chr1:181,798,429, G>A. VCF-style: chr1-181798429-G-A. GRCh37 (hg19) VCF-style: chr1-181767565-G-A.
Other names: c.6408G>A, p.Ala2136= (NM_000721.4); c.6351G>A, p.Ala2117= (NM_001205294.2).
Identifiers: ClinVar variation 1166250 (VCV001166250.37), dbSNP rs375338599, ClinGen allele CA1276439.
Genomic context (GRCh38, chr1:181,798,429, plus strand): 5'-CCCACCCGTCCCGCCAAAGCCCCGGCCCCTCCTTTCCTACAGCTCCCTGATTCGACACGC[G>A]GGCAGCATCTCTCCACCTGCTGATGGAAGCGAGGAGGGCTCCCCGCTGACCTCCCAAGCT-3'
Protein context (NP_001192222.1, residues 2169-2189): LLSYSSLIRH[Ala2179=]GSISPPADGS